The following is an entry in ClinVar:

NM_001083961.2(WDR62):c.108dup (p.Ala37fs)

Gene: WDR62 (WD repeat domain 62; plus strand). Cytogenetic location: 19q13.12.
Variant type: Duplication.
Coding change: c.108dup on transcript NM_001083961.2 (MANE Select); coding-DNA position 108, one base duplicated (C; older notation c.108dupC).
Protein change: p.Ala37fs; shifts the reading frame from alanine 37.
Molecular consequence: frameshift variant.
Genome position (GRCh38, 1-based): chr19:36,055,079, C duplicated; the last of 6 consecutive C bases (chr19:36,055,074-36,055,079); duplicating any one gives the same sequence. VCF-style (leftmost placement, unchanged base first): chr19-36055073-G-GC. GRCh37 (hg19) VCF-style: chr19-36545975-G-GC.
Other names: c.108dup, p.Ala37fs (NM_001411145.1, NM_001411146.1, NM_001411147.1 and 1 more transcripts); short protein forms A37fs.
Identifiers: ClinVar variation 3684585 (VCV003684585.2).

ClinVar aggregate classification (germline): Pathogenic (1 of 4 stars; one submission).

Submission:

Labcorp Genetics (formerly Invitae), Labcorp
Classification: Pathogenic. Last evaluated: 2024-02-02. Review status: criteria provided, single submitter. Criteria: Invitae Variant Classification Sherloc (09022015). Collection method: clinical testing. Allele origin: germline.
Comment: This sequence change creates a premature translational stop signal (p.Ala37Argfs*43) in the WDR62 gene. It is expected to result in an absent or disrupted protein product. Loss-of-function variants in WDR62 are known to be pathogenic (PMID: 20729831). The frequency data for this variant in the population databases is considered unreliable, as metrics indicate poor data quality at this position in the gnomAD database. This variant has not been reported in the literature in individuals affected with WDR62-related conditions. For these reasons, this variant has been classified as Pathogenic.

Literature cited by the submitters: PubMed 20729831.